The following is an entry in ClinVar:

NM_001032283.3(TMPO):c.529A>G (p.Ser177Gly)

Gene: TMPO (thymopoietin; plus strand). Cytogenetic location: 12q23.1.
Variant type: single nucleotide variant.
Coding change: c.529A>G on transcript NM_001032283.3 (MANE Select); coding-DNA position 529, A replaced by G.
Protein change: p.Ser177Gly; replaces serine 177 with glycine.
Molecular consequence: missense variant.
Genome position (GRCh38, 1-based): chr12:98,531,802, A>G. VCF-style: chr12-98531802-A-G. GRCh37 (hg19) VCF-style: chr12-98925580-A-G.
Other names: c.529A>G, p.Ser177Gly (NM_001032284.3, NM_001307975.2, NM_003276.2); short protein forms S177G.
Identifiers: ClinVar variation 449608 (VCV000449608.9), dbSNP rs765922156, ClinGen allele CA6732222.
Genomic context (GRCh38, chr12:98,531,802, plus strand): 5'-AGATCTTCTACTCCTCTGCCAACAATTTCTTCTTCAGCAGAAAATACAAGGCAGAATGGA[A>G]GTAATGATTCTGACAGATACAGTGACAATGAAGAAGGTAAAATTTTAAATGATGTTAATC-3'
Protein context (NP_001027454.1, residues 167-187): SSAENTRQNG[Ser177Gly]NDSDRYSDNE

ClinVar aggregate classification (germline): Uncertain significance. Review status: criteria provided, multiple submitters, no conflicts (2 of 4 stars). 2 submissions from 2 submitters: Uncertain significance (2). Last evaluated 2025-02-11.

Conditions:
Loeys-Dietz syndrome 2 (LDS2). Also called: AORTIC ANEURYSM, FAMILIAL THORACIC 3; MARFAN SYNDROME, TYPE II; Marfan syndrome, type 2 (formerly); Marfan Syndrome type 2; Marfan like connective tissue disorder; MFS 2. Identifiers: Orphanet 284973, Orphanet 558, MedGen C2674574, MONDO:0012427, OMIM 610168.

Allele frequency attached by ClinVar (database versions not stated): gnomAD exomes below 0.00001; ExAC 0.00001; TOPMed 0.00002; gnomAD 0.00003.
gnomAD v4.1: 5 of 1,613,758 alleles (0.00031%); highest among the groups gnomAD compares: African/African-American, 0.0053%; no homozygotes.

Submissions (2):

GeneDx
Classification: Uncertain significance. Last evaluated: 2025-02-11. Review status: criteria provided, single submitter. Criteria: GeneDx Variant Classification Process June 2021. Collection method: clinical testing. Allele origin: germline. Affected: yes.
Comment: Has not been previously published as pathogenic or benign to our knowledge; Not observed at significant frequency in large population cohorts (gnomAD); In silico analysis indicates that this missense variant does not alter protein structure/function; In silico analysis supports a deleterious effect on splicing

Labcorp Genetics (formerly Invitae), Labcorp
Classification: Uncertain significance for Loeys-Dietz syndrome 2. Last evaluated: 2023-07-17. Review status: criteria provided, single submitter. Criteria: Invitae Variant Classification Sherloc (09022015). Collection method: clinical testing. Allele origin: germline.
Comment: Algorithms developed to predict the effect of sequence changes on RNA splicing suggest that this variant may create or strengthen a splice site. In summary, the available evidence is currently insufficient to determine the role of this variant in disease. Therefore, it has been classified as a Variant of Uncertain Significance. This sequence change replaces serine, which is neutral and polar, with glycine, which is neutral and non-polar, at codon 177 of the TMPO protein (p.Ser177Gly). An algorithm developed to predict the effect of missense changes on protein structure and function (PolyPhen-2) suggests that this variant is likely to be disruptive. ClinVar contains an entry for this variant (Variation ID: 449608). This variant has not been reported in the literature in individuals affected with TMPO-related conditions. This variant is present in population databases (rs765922156, gnomAD 0.0009%).